The following is an entry in ClinVar:

NM_021098.3(CACNA1H):c.2501G>A (p.Ser834Asn)

Gene: CACNA1H (calcium voltage-gated channel subunit alpha1 H; plus strand). Cytogenetic location: 16p13.3.
Variant type: single nucleotide variant.
Coding change: c.2501G>A on transcript NM_021098.3 (MANE Select); coding-DNA position 2501, G replaced by A.
Protein change: p.Ser834Asn; replaces serine 834 with asparagine.
Molecular consequence: missense variant.
Genome position (GRCh38, 1-based): chr16:1,205,163, G>A. VCF-style: chr16-1205163-G-A. GRCh37 (hg19) VCF-style: chr16-1255163-G-A.
Other names: c.2501G>A, p.Ser834Asn (NM_001005407.2); short protein forms S834N.
Identifiers: ClinVar variation 1023221 (VCV001023221.8), dbSNP rs1386150404, ClinGen allele CA394167399.

ClinVar aggregate classification (germline): Uncertain significance (1 of 4 stars; one submission).

Conditions:
Hyperaldosteronism, familial, type IV (HALD4). Also called: FH IV; ALDOSTERONISM, PRIMARY, AND HYPERTENSION. Identifiers: Orphanet 642671, MedGen C4310756, MONDO:0014875, OMIM 617027.
Idiopathic generalized epilepsy. Also called: Generalised epilepsy; EIG. Identifiers: MedGen C0270850, MONDO:0005579, OMIM 600669.

Allele frequency attached by ClinVar (database versions not stated): TOPMed below 0.00001; gnomAD 0.00001.
gnomAD v4.1: 1 of 1,612,880 alleles (0.000062%); highest among the groups gnomAD compares: Non-Finnish European, 0.000085%; no homozygotes.

Submission:

Labcorp Genetics (formerly Invitae), Labcorp
Classification: Uncertain significance for Idiopathic generalized epilepsy; Hyperaldosteronism, familial, type IV. Last evaluated: 2020-06-29. Review status: criteria provided, single submitter. Criteria: Invitae Variant Classification Sherloc (09022015). Collection method: clinical testing. Allele origin: germline.
Comment: This variant has not been reported in the literature in individuals with CACNA1H-related conditions. Algorithms developed to predict the effect of missense changes on protein structure and function are either unavailable or do not agree on the potential impact of this missense change (SIFT: "Deleterious"; PolyPhen-2: "Possibly Damaging"; Align-GVGD: "Class C0"). In summary, the available evidence is currently insufficient to determine the role of this variant in disease. Therefore, it has been classified as a Variant of Uncertain Significance. This variant is not present in population databases (ExAC no frequency). This sequence change replaces serine with asparagine at codon 834 of the CACNA1H protein (p.Ser834Asn). The serine residue is highly conserved and there is a small physicochemical difference between serine and asparagine.